The following is an entry in ClinVar:

ClinVar aggregate classification (germline): Pathogenic/Likely pathogenic. Review status: criteria provided, multiple submitters, no conflicts (2 of 4 stars). 5 submissions from 5 submitters: Pathogenic (4); Likely pathogenic (1). Last evaluated 2024-01-18.

Conditions:
Lynch syndrome. Identifiers: Orphanet 144, MedGen C4552100, MONDO:0005835. Disease mechanism: loss of function.
Hereditary nonpolyposis colorectal neoplasms. Identifiers: MedGen C0009405, MeSH D003123.
Lynch syndrome 5 (LYNCH5). Also called: Colorectal cancer, hereditary nonpolyposis, type 5; Hereditary non-polyposis colorectal cancer, type 5. Identifiers: Orphanet 144, MedGen C1833477, MONDO:0013710, OMIM 614350. Disease mechanism: loss of function.
Hereditary cancer-predisposing syndrome. Also called: Neoplastic Syndromes, Hereditary; Hereditary Cancer Syndrome; Tumor predisposition; Hereditary neoplastic syndrome. Identifiers: Orphanet 140162, MedGen C0027672, MeSH D009386, MONDO:0015356.

Allele frequency attached by ClinVar (database versions not stated): gnomAD exomes below 0.00001.
gnomAD v4.1: 2 of 1,614,182 alleles (0.00012%); highest among the groups gnomAD compares: Non-Finnish European, 0.00017%; no homozygotes.

Submissions (5):

Labcorp Genetics (formerly Invitae), Labcorp
Classification: Pathogenic for Hereditary nonpolyposis colorectal neoplasms. Last evaluated: 2024-01-18. Review status: criteria provided, single submitter. Criteria: Invitae Variant Classification Sherloc (09022015). Collection method: clinical testing. Allele origin: germline.
Comment: This sequence change creates a premature translational stop signal (p.Gln889*) in the MSH6 gene. It is expected to result in an absent or disrupted protein product. Loss-of-function variants in MSH6 are known to be pathogenic (PMID: 18269114, 24362816). This variant is not present in population databases (gnomAD no frequency). This variant has not been reported in the literature in individuals affected with MSH6-related conditions. ClinVar contains an entry for this variant (Variation ID: 584468). For these reasons, this variant has been classified as Pathogenic.

All of Us Research Program, National Institutes of Health
Classification: Pathogenic for Lynch syndrome. Last evaluated: 2023-11-10. Review status: criteria provided, single submitter. Criteria: ACMG Guidelines, 2015. Collection method: clinical testing. Allele origin: germline. Inheritance: Autosomal dominant inheritance. Observed: 1 variant allele, 1 heterozygote.
Comment: This variant changes 1 nucleotide in exon 4 of the MSH6 gene, creating a premature translation stop signal. This variant is expected to result in an absent or non-functional protein product. To our knowledge, this variant has not been reported in individuals affected with hereditary cancer in the literature. This variant has not been identified in the general population by the Genome Aggregation Database (gnomAD). Loss of MSH6 function is a known mechanism of disease. The available evidence is insufficient to determine the role of this variant in disease conclusively. Therefore, this variant is classified as a Variant of Uncertain Significance.

This study involves interpretation of variants in research participants for the purpose of population health screening. Participant phenotype was not available at the time of variant classification. Additional details can be found in publication PMID: 35346344, PMCID: PMC8962531

Myriad Genetics, Inc.
Classification: Pathogenic for Lynch syndrome 5. Last evaluated: 2023-08-17. Review status: criteria provided, single submitter. Criteria: Myriad Autosomal Dominant, Autosomal Recessive and X-Linked Classification Criteria (2023). Collection method: clinical testing. Allele origin: unknown.
Comment: This variant is considered pathogenic. This variant creates a termination codon and is predicted to result in premature protein truncation.

Ambry Genetics
Classification: Pathogenic for Hereditary cancer-predisposing syndrome. Last evaluated: 2022-02-23. Review status: criteria provided, single submitter. Criteria: Ambry Variant Classification Scheme 2023. Collection method: clinical testing. Allele origin: germline.
Comment: The p.Q889* pathogenic mutation (also known as c.2665C>T), located in coding exon 4 of the MSH6 gene, results from a C to T substitution at nucleotide position 2665. This changes the amino acid from a glutamine to a stop codon within coding exon 4. This alteration has been reported in 1/1197 individuals from Greece, Romania, and Turkey undergoing evaluation for inherited cancer predisposition (Tsaousis et al. BMC Cancer 2019 Jun;19(1):535). This alteration is expected to result in loss of function by premature protein truncation or nonsense-mediated mRNA decay. As such, this alteration is interpreted as a disease-causing mutation.

GeneKor MSA
Classification: Likely pathogenic for Hereditary cancer-predisposing syndrome. Last evaluated: 2020-01-01. Review status: criteria provided, single submitter. Criteria: ACMG Guidelines, 2015. Collection method: clinical testing. Allele origin: germline. Affected: yes.
Comment: This variant is a single amino acid change from Glutamine to a premature translational stop signal at codon 889 of the MSH6 protein. This is expected to result in an absent or disrupted protein product. Truncating variants in the MSH6 are known to be pathogenic (PMID: 18269114, 24362816). This variant has been described in the international literature in an individual undergoing panel testing for hereditary syndrome (PMID: 31159747).

Literature cited by the submitters: PubMed 18269114 (cited by Labcorp Genetics (formerly Invitae), Labcorp); PubMed 24362816 (cited by Labcorp Genetics (formerly Invitae), Labcorp); PubMed 31159747 (cited by Ambry Genetics).

NM_000179.3(MSH6):c.2665C>T (p.Gln889Ter)

Gene: MSH6 (mutS homolog 6; plus strand). Cytogenetic location: 2p16.3.
Variant type: single nucleotide variant.
Coding change: c.2665C>T on transcript NM_000179.3 (MANE Select); coding-DNA position 2665, C replaced by T.
Protein change: p.Gln889Ter; replaces glutamine 889 with a stop codon.
Molecular consequence: nonsense.
Genome position (GRCh38, 1-based): chr2:47,800,648, C>T. VCF-style: chr2-47800648-C-T. GRCh37 (hg19) VCF-style: chr2-48027787-C-T.
Other names: c.2275C>T, p.Gln759Ter (NM_001281492.2); c.1759C>T, p.Gln587Ter (NM_001281493.2, NM_001281494.2); short protein forms Q889*, Q587*, Q759*.
Identifiers: ClinVar variation 584468 (VCV000584468.9), dbSNP rs1558666177, ClinGen allele CA346755221.